The following is an entry in ClinVar:

ClinVar aggregate classification (germline): Uncertain significance (1 of 4 stars; one submission).

Conditions:
PGM1-congenital disorder of glycosylation. Also called: Congenital disorder of glycosylation type 1t; PHOSPHOGLUCOMUTASE 1 DEFICIENCY; PGM1 DEFICIENCY; GLYCOGEN STORAGE DISEASE XIV; GSD XIV; CDG It. Identifiers: Orphanet 319646, MedGen C2752015, MONDO:0013968, OMIM 614921.

Submission:

Labcorp Genetics (formerly Invitae), Labcorp
Classification: Uncertain significance for PGM1-congenital disorder of glycosylation. Last evaluated: 2024-08-13. Review status: criteria provided, single submitter. Criteria: Invitae Variant Classification Sherloc (09022015). Collection method: clinical testing. Allele origin: germline.
Comment: This sequence change replaces glycine, which is neutral and non-polar, with glutamic acid, which is acidic and polar, at codon 82 of the PGM1 protein (p.Gly82Glu). The frequency data for this variant in the population databases is considered unreliable, as metrics indicate poor data quality at this position in the gnomAD database. This variant has not been reported in the literature in individuals affected with PGM1-related conditions. An algorithm developed to predict the effect of missense changes on protein structure and function (PolyPhen-2) suggests that this variant is likely to be disruptive. In summary, the available evidence is currently insufficient to determine the role of this variant in disease. Therefore, it has been classified as a Variant of Uncertain Significance.

NM_002633.3(PGM1):c.245G>A (p.Gly82Glu)

Genes: PGM1 (phosphoglucomutase 1; plus strand), LOC129930669 (ATAC-STARR-seq lymphoblastoid silent region 951; plus strand). Cytogenetic location: 1p31.3.
Variant type: single nucleotide variant.
Coding change: c.245G>A on transcript NM_002633.3 (MANE Select); coding-DNA position 245, G replaced by A.
Protein change: p.Gly82Glu; replaces glycine 82 with glutamic acid.
Molecular consequence: missense variant.
Genome position (GRCh38, 1-based): chr1:63,593,733, G>A. VCF-style: chr1-63593733-G-A. GRCh37 (hg19) VCF-style: chr1-64059404-G-A.
Other names: short protein forms G82E.
Identifiers: ClinVar variation 3692504 (VCV003692504.2).
Genomic context (GRCh38, chr1:63,593,733, plus strand): 5'-ACGGCCGGTTCTACATGAAGGAGGCCATCCAGCTCATCGCTCGCATCGCTGCCGCCAACG[G>A]GGTAAGGGATGCGCGGCCCCGCGCCGCTGTGCACCCTGGCGCGTGTGCGACGTGCGGCCC-3'
Protein context (NP_002624.2, residues 72-92): QLIARIAAAN[Gly82Glu]IGRLVIGQNG